The following is an entry in ClinVar:

NM_001048174.2(MUTYH):c.1488G>C (p.Met496Ile)

Gene: MUTYH (mutY DNA glycosylase; minus strand). Cytogenetic location: 1p34.1.
Variant type: single nucleotide variant.
Coding change: c.1488G>C on transcript NM_001048174.2 (MANE Select); coding-DNA position 1488, G replaced by C.
Protein change: p.Met496Ile; replaces methionine 496 with isoleucine.
Molecular consequence: missense variant. On other transcripts: non-coding transcript variant (2).
Genome position (GRCh38, 1-based): chr1:45,329,384, C>G on the plus strand (G>C on the coding strand, the complement: MUTYH is on the minus strand). VCF-style: chr1-45329384-C-G. GRCh37 (hg19) VCF-style: chr1-45795056-C-G.
Other names: c.1488G>C, p.Met496Ile (NM_001048171.2, NM_001048173.2, NM_001293195.2); c.1491G>C, p.Met497Ile (NM_001048172.2); c.1572G>C, p.Met524Ile (NM_001128425.2); c.1533G>C, p.Met511Ile (NM_001293190.2); c.1521G>C, p.Met507Ile (NM_001293191.2); c.1212G>C, p.Met404Ile (NM_001293192.2, NM_001293196.2); c.1143G>C, p.Met381Ile (NM_001350650.2, NM_001350651.2); c.1563G>C, p.Met521Ile (NM_012222.3); short protein forms M381I, M404I, M496I, M497I, M507I, M511I, M521I, M524I.
Identifiers: ClinVar variation 1332084 (VCV001332084.4), dbSNP rs1570312735, ClinGen allele CA340131747.

ClinVar aggregate classification (germline): Uncertain significance. Review status: criteria provided, multiple submitters, no conflicts (2 of 4 stars). 2 submissions from 2 submitters: Uncertain significance (2). Last evaluated 2025-08-27.

Conditions:
Hereditary cancer-predisposing syndrome. Also called: Tumor predisposition; Hereditary Cancer Syndrome; Neoplastic Syndromes, Hereditary; Hereditary neoplastic syndrome. Identifiers: Orphanet 140162, MedGen C0027672, MeSH D009386, MONDO:0015356.

Submissions (2):

Ambry Genetics
Classification: Uncertain significance for Hereditary cancer-predisposing syndrome. Last evaluated: 2025-08-27. Review status: criteria provided, single submitter. Criteria: Ambry Variant Classification Scheme 2023. Collection method: clinical testing. Allele origin: germline.
Comment: The p.M524I variant (also known as c.1572G>C), located in coding exon 16 of the MUTYH gene, results from a G to C substitution at nucleotide position 1572. The methionine at codon 524 is replaced by isoleucine, an amino acid with highly similar properties. This amino acid position is conserved. In addition, this alteration is predicted to be tolerated by in silico analysis. Based on the available evidence, the clinical significance of this variant remains unclear.

Color Diagnostics, LLC DBA Color Health
Classification: Uncertain significance for Hereditary cancer-predisposing syndrome. Last evaluated: 2024-03-06. Review status: criteria provided, single submitter. Criteria: ACMG Guidelines, 2015. Collection method: clinical testing. Allele origin: germline.
Comment: This missense variant replaces methionine with isoleucine at codon 524 of the MUTYH protein. Computational prediction suggests that this variant may not impact protein structure and function (internally defined REVEL score threshold <= 0.5, PMID: 27666373). To our knowledge, functional studies have not been reported for this variant. This variant has not been reported in individuals affected with hereditary cancer in the literature. This variant has not been identified in the general population by the Genome Aggregation Database (gnomAD). The available evidence is insufficient to determine the role of this variant in disease conclusively. Therefore, this variant is classified as a Variant of Uncertain Significance.